The following is an entry in ClinVar:

NM_014391.3(ANKRD1):c.524C>G (p.Ala175Gly)

Gene: ANKRD1 (ankyrin repeat domain 1; minus strand). Cytogenetic location: 10q23.31.
Variant type: single nucleotide variant.
Coding change: c.524C>G on transcript NM_014391.3 (MANE Select); coding-DNA position 524, C replaced by G.
Protein change: p.Ala175Gly; replaces alanine 175 with glycine.
Molecular consequence: missense variant.
Genome position (GRCh38, 1-based): chr10:90,917,760, G>C on the plus strand (C>G on the coding strand, the complement: ANKRD1 is on the minus strand). VCF-style: chr10-90917760-G-C. GRCh37 (hg19) VCF-style: chr10-92677517-G-C.
Other names: short protein forms A175G.
Identifiers: ClinVar variation 1746337 (VCV001746337.7), dbSNP rs1301819845, ClinGen allele CA377551416.

ClinVar aggregate classification (germline): Uncertain significance. Review status: criteria provided, multiple submitters, no conflicts (2 of 4 stars). 2 submissions from 2 submitters: Uncertain significance (2). Last evaluated 2022-08-23.

Conditions:
Cardiovascular phenotype. Identifiers: MedGen CN230736.
ANKRD1-related dilated cardiomyopathy. Identifiers: MedGen CN119551.

Allele frequency attached by ClinVar (database versions not stated): TOPMed below 0.00001; gnomAD 0.00003.
gnomAD v4.1: 4 of 1,613,912 alleles (0.00025%); highest among the groups gnomAD compares: African/African-American, 0.0053%; no homozygotes.

Submissions (2):

Labcorp Genetics (formerly Invitae), Labcorp
Classification: Uncertain significance for ANKRD1-related dilated cardiomyopathy. Last evaluated: 2022-08-23. Review status: criteria provided, single submitter. Criteria: Invitae Variant Classification Sherloc (09022015). Collection method: clinical testing. Allele origin: germline.
Comment: In summary, the available evidence is currently insufficient to determine the role of this variant in disease. Therefore, it has been classified as a Variant of Uncertain Significance. Algorithms developed to predict the effect of missense changes on protein structure and function are either unavailable or do not agree on the potential impact of this missense change (SIFT: "Tolerated"; PolyPhen-2: "Possibly Damaging"; Align-GVGD: "Class C0"). This variant has not been reported in the literature in individuals affected with ANKRD1-related conditions. This variant is not present in population databases (gnomAD no frequency). This sequence change replaces alanine, which is neutral and non-polar, with glycine, which is neutral and non-polar, at codon 175 of the ANKRD1 protein (p.Ala175Gly).

Ambry Genetics
Classification: Uncertain significance for Cardiovascular phenotype. Last evaluated: 2021-11-22. Review status: criteria provided, single submitter. Criteria: Ambry Variant Classification Scheme 2023. Collection method: clinical testing. Allele origin: germline.
Comment: The p.A175G variant (also known as c.524C>G), located in coding exon 5 of the ANKRD1 gene, results from a C to G substitution at nucleotide position 524. The alanine at codon 175 is replaced by glycine, an amino acid with similar properties. This amino acid position is conserved. In addition, this alteration is predicted to be tolerated by in silico analysis. Since supporting evidence is limited at this time, the clinical significance of this alteration remains unclear.